The following is an entry in ClinVar:

ClinVar aggregate classification (germline): Conflicting classifications of pathogenicity. Review status: criteria provided, conflicting classifications (1 of 4 stars). 3 submissions from 3 submitters: Uncertain significance (2); Likely benign (1). Last evaluated 2023-07-15.

Conditions:
Hereditary cancer-predisposing syndrome. Also called: Neoplastic Syndromes, Hereditary; Tumor predisposition; Hereditary Cancer Syndrome; Hereditary neoplastic syndrome. Identifiers: Orphanet 140162, MedGen C0027672, MeSH D009386, MONDO:0015356.
Hereditary breast ovarian cancer syndrome. Also called: Hereditary breast and/or ovarian cancer syndrome; Hereditary breast and ovarian cancer; Hereditary breast and ovarian cancer syndrome (HBOC); Hereditary breast and ovarian cancer syndrome; Breast and ovarian cancer; BRCA1- and BRCA2-Associated Hereditary Breast and Ovarian Cancer. Identifiers: Orphanet 145, MedGen C0677776, MeSH D061325, MONDO:0003582. Disease mechanism: loss of function.

Allele frequency attached by ClinVar (database versions not stated): gnomAD exomes below 0.00001; TOPMed below 0.00001.
gnomAD v4.1: 1 of 1,613,944 alleles (0.000062%); highest among the groups gnomAD compares: South Asian, 0.0011%; no homozygotes.

Submissions (3):

Ambry Genetics
Classification: Uncertain significance for Hereditary cancer-predisposing syndrome. Last evaluated: 2023-07-15. Review status: criteria provided, single submitter. Criteria: Ambry Variant Classification Scheme 2023. Collection method: clinical testing. Allele origin: germline.
Comment: The p.S1021T variant (also known as c.3062G>C), located in coding exon 9 of the BRCA1 gene, results from a G to C substitution at nucleotide position 3062. The serine at codon 1021 is replaced by threonine, an amino acid with similar properties. This amino acid position is well conserved in available vertebrate species. In addition, the in silico prediction for this alteration is inconclusive. Since supporting evidence is limited at this time, the clinical significance of this alteration remains unclear.

University of Washington Department of Laboratory Medicine, University of Washington
Classification: Likely benign for Hereditary cancer-predisposing syndrome. Last evaluated: 2023-03-23. Review status: criteria provided, single submitter. Criteria: Dines et al. (Genet Med. 2020). Collection method: curation. Allele origin: germline.
Comment: Missense variant in a coldspot region where missense variants are very unlikely to be pathogenic (PMID:31911673).

BRCA1 coldspot (exon 11 using historical exon numbering). Reclassification based on statistical prior probability

Labcorp Genetics (formerly Invitae), Labcorp
Classification: Uncertain significance for Hereditary breast ovarian cancer syndrome. Last evaluated: 2021-12-30. Review status: criteria provided, single submitter. Criteria: Invitae Variant Classification Sherloc (09022015). Collection method: clinical testing. Allele origin: germline.
Comment: In summary, the available evidence is currently insufficient to determine the role of this variant in disease. Therefore, it has been classified as a Variant of Uncertain Significance. Advanced modeling of protein sequence and biophysical properties (such as structural, functional, and spatial information, amino acid conservation, physicochemical variation, residue mobility, and thermodynamic stability) performed at Invitae indicates that this missense variant is not expected to disrupt BRCA1 protein function. This variant has not been reported in the literature in individuals affected with BRCA1-related conditions. This variant is present in population databases (no rsID available, gnomAD 0.003%). This sequence change replaces serine, which is neutral and polar, with threonine, which is neutral and polar, at codon 1021 of the BRCA1 protein (p.Ser1021Thr).

NM_007294.4(BRCA1):c.3062G>C (p.Ser1021Thr)

Gene: BRCA1 (BRCA1 DNA repair associated; minus strand). Cytogenetic location: 17q21.31.
Variant type: single nucleotide variant.
Coding change: c.3062G>C on transcript NM_007294.4 (MANE Select); coding-DNA position 3062, G replaced by C.
Protein change: p.Ser1021Thr; replaces serine 1021 with threonine.
Molecular consequence: missense variant. On other transcripts: intron variant (137).
Genome position (GRCh38, 1-based): chr17:43,092,469, C>G on the plus strand (G>C on the coding strand, the complement: BRCA1 is on the minus strand). VCF-style: chr17-43092469-C-G. GRCh37 (hg19) VCF-style: chr17-41244486-C-G.
Other names: c.2849G>C, p.Ser950Thr (NM_001407571.1, NM_001407853.1, NM_001407894.1 and 9 more transcripts); c.3062G>C, p.Ser1021Thr (NM_001407581.1, NM_001407582.1, NM_001407583.1 and 30 more transcripts); c.3059G>C, p.Ser1020Thr (NM_001407587.1, NM_001407590.1, NM_001407591.1 and 22 more transcripts); c.3053G>C, p.Ser1018Thr (NM_001407646.1, NM_001407647.1); c.2939G>C, p.Ser980Thr (NM_001407648.1, NM_001407664.1, NM_001407665.1 and 19 more transcripts); c.2936G>C, p.Ser979Thr (NM_001407649.1, NM_001407670.1, NM_001407671.1 and 11 more transcripts); c.2984G>C, p.Ser995Thr (NM_001407653.1, NM_001407654.1, NM_001407655.1 and 4 more transcripts); c.2981G>C, p.Ser994Thr (NM_001407659.1, NM_001407660.1, NM_001407661.1 and 1 more transcripts); and 41 more; short protein forms S1021T, S910T, S979T, S951T, S953T, S980T, S994T, S1018T.
Identifiers: ClinVar variation 1799388 (VCV001799388.10), dbSNP rs1414091448, ClinGen allele CA10595863.